The following is an entry in ClinVar:

NM_001042492.3(NF1):c.910C>G (p.Arg304Gly)

Gene: NF1 (neurofibromin 1; plus strand). Cytogenetic location: 17q11.2.
Variant type: single nucleotide variant.
Coding change: c.910C>G on transcript NM_001042492.3 (MANE Select); coding-DNA position 910, C replaced by G.
Protein change: p.Arg304Gly; replaces arginine 304 with glycine.
Molecular consequence: missense variant.
Genome position (GRCh38, 1-based): chr17:31,200,443, C>G. VCF-style: chr17-31200443-C-G. GRCh37 (hg19) VCF-style: chr17-29527461-C-G.
Other names: c.910C>G, p.Arg304Gly (NM_000267.4, NM_001128147.3); short protein forms R304G.
Identifiers: ClinVar variation 950672 (VCV000950672.6), dbSNP rs786203950, ClinGen allele CA398995571.

ClinVar aggregate classification (germline): Uncertain significance (1 of 4 stars; one submission).

Conditions:
Neurofibromatosis, type 1 (NF1). Also called: VON RECKLINGHAUSEN DISEASE; NEUROFIBROMATOSIS, TYPE I, SOMATIC; Peripheral type neurofibromatosis; Neurofibromatosis, type I. Identifiers: Orphanet 636, MedGen C0027831, MONDO:0018975, OMIM 162200. Disease mechanism: loss of function.

Submission:

Labcorp Genetics (formerly Invitae), Labcorp
Classification: Uncertain significance for Neurofibromatosis, type 1. Last evaluated: 2022-02-13. Review status: criteria provided, single submitter. Criteria: Invitae Variant Classification Sherloc (09022015). Collection method: clinical testing. Allele origin: germline.
Comment: Algorithms developed to predict the effect of missense changes on protein structure and function (SIFT, PolyPhen-2, Align-GVGD) all suggest that this variant is likely to be tolerated. In summary, the available evidence is currently insufficient to determine the role of this variant in disease. Therefore, it has been classified as a Variant of Uncertain Significance. ClinVar contains an entry for this variant (Variation ID: 950672). This variant has not been reported in the literature in individuals affected with NF1-related conditions. This variant is not present in population databases (gnomAD no frequency). This sequence change replaces arginine, which is basic and polar, with glycine, which is neutral and non-polar, at codon 304 of the NF1 protein (p.Arg304Gly).